The following is an entry in ClinVar:

NM_007192.4(SUPT16H):c.514A>G (p.Ile172Val)

Gene: SUPT16H (SPT16 homolog, facilitates chromatin remodeling subunit; minus strand). Cytogenetic location: 14q11.2.
Variant type: single nucleotide variant.
Coding change: c.514A>G on transcript NM_007192.4 (MANE Select); coding-DNA position 514, A replaced by G.
Protein change: p.Ile172Val; replaces isoleucine 172 with valine.
Molecular consequence: missense variant.
Genome position (GRCh38, 1-based): chr14:21,369,866, T>C on the plus strand (A>G on the coding strand, the complement: SUPT16H is on the minus strand). VCF-style: chr14-21369866-T-C. GRCh37 (hg19) VCF-style: chr14-21838025-T-C.
Other names: short protein forms I172V.
Identifiers: ClinVar variation 4074501 (VCV004074501.1).

ClinVar aggregate classification (germline): Uncertain significance (1 of 4 stars; one submission).

gnomAD v4.1: 2 of 1,614,162 alleles (0.00012%); highest among the groups gnomAD compares: Non-Finnish European, 0.000085%; no homozygotes.

Submission:

GeneDx
Classification: Uncertain significance. Last evaluated: 2025-02-06. Review status: criteria provided, single submitter. Criteria: GeneDx Variant Classification Process June 2021. Collection method: clinical testing. Allele origin: germline. Affected: yes.
Comment: Not observed at significant frequency in large population cohorts (gnomAD); In silico analysis indicates that this missense variant does not alter protein structure/function; Has not been previously published as pathogenic or benign to our knowledge